The following is an entry in ClinVar:

ClinVar aggregate classification (germline): Uncertain significance (1 of 4 stars; one submission).

Allele frequency attached by ClinVar (database versions not stated): ExAC 0.00003; gnomAD exomes 0.00003 and 0.00007; TOPMed 0.00004.
gnomAD v4.1: 111 of 1,613,820 alleles (0.0069%); highest among the groups gnomAD compares: Non-Finnish European, 0.0091%; no homozygotes.

Submission:

Labcorp Genetics (formerly Invitae), Labcorp
Classification: Uncertain significance. Last evaluated: 2025-04-17. Review status: criteria provided, single submitter. Criteria: Invitae Variant Classification Sherloc (09022015). Collection method: clinical testing. Allele origin: germline.
Comment: This sequence change replaces arginine, which is basic and polar, with tryptophan, which is neutral and slightly polar, at codon 703 of the ADGRA3 protein (p.Arg703Trp). This variant is present in population databases (rs745775771, gnomAD 0.006%). This variant has not been reported in the literature in individuals affected with ADGRA3-related conditions. ClinVar contains an entry for this variant (Variation ID: 851653). An algorithm developed to predict the effect of missense changes on protein structure and function (PolyPhen-2) suggests that this variant is likely to be disruptive. In summary, the available evidence is currently insufficient to determine the role of this variant in disease. Therefore, it has been classified as a Variant of Uncertain Significance.

NM_145290.4(ADGRA3):c.2107C>T (p.Arg703Trp)

Gene: ADGRA3 (adhesion G protein-coupled receptor A3; minus strand). Cytogenetic location: 4p15.2.
Variant type: single nucleotide variant.
Coding change: c.2107C>T on transcript NM_145290.4 (MANE Select); coding-DNA position 2107, C replaced by T.
Protein change: p.Arg703Trp; replaces arginine 703 with tryptophan.
Molecular consequence: missense variant.
Genome position (GRCh38, 1-based): chr4:22,413,307, G>A on the plus strand (C>T on the coding strand, the complement: ADGRA3 is on the minus strand). VCF-style: chr4-22413307-G-A. GRCh37 (hg19) VCF-style: chr4-22414930-G-A.
Other names: short protein forms R703W.
Identifiers: ClinVar variation 851653 (VCV000851653.7), dbSNP rs745775771, ClinGen allele CA2873734.